The following is an entry in ClinVar:

NM_001379110.1(SLC9A6):c.1072A>G (p.Thr358Ala)

Gene: SLC9A6 (solute carrier family 9 member A6; plus strand). Cytogenetic location: Xq26.3.
Variant type: single nucleotide variant.
Coding change: c.1072A>G on transcript NM_001379110.1 (MANE Select); coding-DNA position 1072, A replaced by G.
Protein change: p.Thr358Ala; replaces threonine 358 with alanine.
Molecular consequence: missense variant.
Genome position (GRCh38, 1-based): chrX:136,013,429, A>G. VCF-style: chrX-136013429-A-G. GRCh37 (hg19) VCF-style: chrX-135095588-A-G.
Other names: c.1228A>G, p.Thr410Ala (NM_001042537.2); c.1072A>G, p.Thr358Ala (NM_001177651.2, NM_001400909.1, NM_001400910.1 and 2 more transcripts); c.976A>G, p.Thr326Ala (NM_001330652.2, NM_001400913.1); c.1132A>G, p.Thr378Ala (NM_006359.3); short protein forms T326A, T358A, T378A, T410A.
Identifiers: ClinVar variation 2626969 (VCV002626969.1), dbSNP rs2521314119, ClinGen allele CA414752106.

ClinVar aggregate classification (germline): Uncertain significance (1 of 4 stars; one submission).

Submission:

Greenwood Genetic Center Diagnostic Laboratories, Greenwood Genetic Center
Classification: Uncertain significance. Last evaluated: 2023-09-28. Review status: criteria provided, single submitter. Criteria: ACMG Guidelines, 2015. Collection method: clinical testing. Allele origin: germline. Affected: yes.
Comment: PM2, PP3